The following is an entry in ClinVar:

NM_001099289.3(SH3RF3):c.98G>A (p.Arg33His)

Genes: RANBP2 (RAN binding protein 2; plus strand), SH3RF3 (SH3 domain containing ring finger 3; plus strand), SH3RF3-AS1 (SH3RF3 antisense RNA 1; minus strand). Cytogenetic location: 2q13.
Variant type: single nucleotide variant.
Coding change: c.98G>A on transcript NM_001099289.3 (MANE Select); coding-DNA position 98, G replaced by A.
Protein change: p.Arg33His; replaces arginine 33 with histidine.
Molecular consequence: missense variant. On other transcripts: non-coding transcript variant (1).
Genome position (GRCh38, 1-based): chr2:109,129,638, G>A. VCF-style: chr2-109129638-G-A. GRCh37 (hg19) VCF-style: chr2-109746094-G-A.
Other names: short protein forms R33H.
Identifiers: ClinVar variation 3161427 (VCV003161427.1), dbSNP rs529703600, ClinGen allele CA1825327.

ClinVar aggregate classification (germline): Uncertain significance (1 of 4 stars; one submission).

Allele frequency attached by ClinVar (database versions not stated): gnomAD exomes 0.00006; ExAC 0.00012; 1000 Genomes Project 0.00020; 1000 Genomes Project 30x 0.00047; gnomAD 0.00058; TOPMed 0.00064.
gnomAD v4.1: 167 of 1,495,632 alleles (0.011%); highest among the groups gnomAD compares: African/African-American, 0.22%; no homozygotes.

Submission:

Ambry Genetics
Classification: Uncertain significance. Last evaluated: 2023-12-08. Review status: criteria provided, single submitter. Criteria: Ambry Variant Classification Scheme 2023. Collection method: clinical testing. Allele origin: germline.
Comment: The c.98G>A (p.R33H) alteration is located in exon (coding exon ) of the SH3RF3 gene. This alteration results from a G to A substitution at nucleotide position 98, causing the arginine (R) at amino acid position 33 to be replaced by a histidine (H). Based on insufficient or conflicting evidence, the clinical significance of this alteration remains unclear.